The following is an entry in ClinVar:

NM_181486.4(TBX5):c.770T>G (p.Val257Gly)

Gene: TBX5 (T-box transcription factor 5; minus strand). Cytogenetic location: 12q24.21.
Variant type: single nucleotide variant.
Coding change: c.770T>G on transcript NM_181486.4 (MANE Select); coding-DNA position 770, T replaced by G.
Protein change: p.Val257Gly; replaces valine 257 with glycine.
Molecular consequence: missense variant.
Genome position (GRCh38, 1-based): chr12:114,366,377, A>C on the plus strand (T>G on the coding strand, the complement: TBX5 is on the minus strand). VCF-style: chr12-114366377-A-C. GRCh37 (hg19) VCF-style: chr12-114804182-A-C.
Other names: c.770T>G, p.Val257Gly (NM_000192.3); c.620T>G, p.Val207Gly (NM_080717.4); short protein forms V257G, V207G.
Identifiers: ClinVar variation 4741403 (VCV004741403.1).

ClinVar aggregate classification (germline): Uncertain significance (1 of 4 stars; one submission).

Conditions:
Aortic valve disease 2 (AOVD2). Identifiers: MedGen C3542024, MONDO:0013902, OMIM 614823.

Submission:

Labcorp Genetics (formerly Invitae), Labcorp
Classification: Uncertain significance for Aortic valve disease 2. Last evaluated: 2025-04-27. Review status: criteria provided, single submitter. Criteria: Invitae Variant Classification Sherloc (09022015). Collection method: clinical testing. Allele origin: germline.
Comment: This sequence change replaces valine, which is neutral and non-polar, with glycine, which is neutral and non-polar, at codon 257 of the TBX5 protein (p.Val257Gly). This variant is not present in population databases (gnomAD no frequency). This variant has not been reported in the literature in individuals affected with TBX5-related conditions. Invitae Evidence Modeling of protein sequence and biophysical properties (such as structural, functional, and spatial information, amino acid conservation, physicochemical variation, residue mobility, and thermodynamic stability) indicates that this missense variant is not expected to disrupt TBX5 protein function with a negative predictive value of 80%. In summary, the available evidence is currently insufficient to determine the role of this variant in disease. Therefore, it has been classified as a Variant of Uncertain Significance.